The following is an entry in ClinVar:

ClinVar aggregate classification (germline): Uncertain significance (1 of 4 stars; one submission).

Submission:

CeGaT Center for Human Genetics Tuebingen
Classification: Uncertain significance. Last evaluated: 2026-01-01. Review status: criteria provided, single submitter. Criteria: CeGaT Center For Human Genetics Tuebingen Variant Classification Criteria Version 2. Collection method: clinical testing. Allele origin: germline. Affected: yes. Observed: 1 variant allele.
Comment: NLRP12: PM2

NM_144687.4(NLRP12):c.277_278delinsAG (p.Asp93Ser)

Gene: NLRP12 (NLR family pyrin domain containing 12; minus strand). Cytogenetic location: 19q13.42.
Variant type: Indel.
Coding change: c.277_278delinsAG on transcript NM_144687.4 (MANE Select); coding-DNA positions 277 to 278, GA replaced by AG.
Protein change: p.Asp93Ser; replaces aspartic acid 93 with serine.
Molecular consequence: missense variant.
Genome position (GRCh38, 1-based): chr19:53,823,897-53,823,898, TC replaced by CT on the plus strand (GA replaced by AG on the coding strand, the reverse complement: NLRP12 is on the minus strand). VCF-style: chr19-53823897-TC-CT. GRCh37 (hg19) VCF-style: chr19-54327151-TC-CT.
Other names: c.277_278delinsAG, p.Asp93Ser (NM_001277126.2, NM_001277129.1); short protein forms D93S.
Identifiers: ClinVar variation 4823833 (VCV004823833.4).